The following is an entry in ClinVar:

ClinVar aggregate classification (germline): Uncertain significance. Review status: criteria provided, multiple submitters, no conflicts (2 of 4 stars). 2 submissions from 2 submitters: Uncertain significance (2). Last evaluated 2025-09-02.

Conditions:
Developmental and epileptic encephalopathy, 33 (DEE33). Also called: Epileptic encephalopathy, early infantile, 33. Identifiers: Orphanet 442835, MedGen C4225337, MONDO:0014625, OMIM 616409.

Submissions (2):

Labcorp Genetics (formerly Invitae), Labcorp
Classification: Uncertain significance for Developmental and epileptic encephalopathy, 33. Last evaluated: 2025-09-02. Review status: criteria provided, single submitter. Criteria: Invitae Variant Classification Sherloc (09022015). Collection method: clinical testing. Allele origin: germline.
Comment: This sequence change replaces valine, which is neutral and non-polar, with isoleucine, which is neutral and non-polar, at codon 171 of the EEF1A2 protein (p.Val171Ile). This variant is present in population databases (rs150580796, gnomAD 0.006%). This variant has not been reported in the literature in individuals affected with EEF1A2-related conditions. ClinVar contains an entry for this variant (Variation ID: 2038645). Invitae Evidence Modeling of protein sequence and biophysical properties (such as structural, functional, and spatial information, amino acid conservation, physicochemical variation, residue mobility, and thermodynamic stability) indicates that this missense variant is not expected to disrupt EEF1A2 protein function with a negative predictive value of 80%. In summary, the available evidence is currently insufficient to determine the role of this variant in disease. Therefore, it has been classified as a Variant of Uncertain Significance.

CeGaT Center for Human Genetics Tuebingen
Classification: Uncertain significance. Last evaluated: 2025-05-01. Review status: criteria provided, single submitter. Criteria: CeGaT Center For Human Genetics Tuebingen Variant Classification Criteria Version 2. Collection method: clinical testing. Allele origin: germline. Affected: yes. Observed: 1 variant allele.
Comment: EEF1A2: PP2

NM_001958.5(EEF1A2):c.511G>A (p.Val171Ile)

Genes: EEF1A2 (eukaryotic translation elongation factor 1 alpha 2; minus strand), LOC132090595 (Neanderthal introgressed variant-containing enhancer experimental_60987; plus strand). Cytogenetic location: 20q13.33.
Variant type: single nucleotide variant.
Coding change: c.511G>A on transcript NM_001958.5 (MANE Select); coding-DNA position 511, G replaced by A.
Protein change: p.Val171Ile; replaces valine 171 with isoleucine.
Molecular consequence: missense variant.
Genome position (GRCh38, 1-based): chr20:63,494,915, C>T on the plus strand (G>A on the coding strand, the complement: EEF1A2 is on the minus strand). VCF-style: chr20-63494915-C-T. GRCh37 (hg19) VCF-style: chr20-62126268-C-T.
Other names: short protein forms V171I.
Identifiers: ClinVar variation 2038645 (VCV002038645.14), dbSNP rs150580796, ClinGen allele CA9959088.